The following is an entry in ClinVar:

NM_005188.4(CBL):c.698A>C (p.Asn233Thr)

Gene: CBL (Cbl proto-oncogene; plus strand). Cytogenetic location: 11q23.3.
Variant type: single nucleotide variant.
Coding change: c.698A>C on transcript NM_005188.4 (MANE Select); coding-DNA position 698, A replaced by C.
Protein change: p.Asn233Thr; replaces asparagine 233 with threonine.
Molecular consequence: missense variant.
Genome position (GRCh38, 1-based): chr11:119,273,975, A>C. VCF-style: chr11-119273975-A-C. GRCh37 (hg19) VCF-style: chr11-119144685-A-C.
Other names: short protein forms N233T.
Identifiers: ClinVar variation 3485638 (VCV003485638.1).

ClinVar aggregate classification (germline): Uncertain significance (1 of 4 stars; one submission).

Conditions:
Cardiovascular phenotype. Identifiers: MedGen CN230736.

Submission:

Ambry Genetics
Classification: Uncertain significance for Cardiovascular phenotype. Last evaluated: 2024-12-08. Review status: criteria provided, single submitter. Criteria: Ambry Variant Classification Scheme 2023. Collection method: clinical testing. Allele origin: germline.
Comment: The p.N233T variant (also known as c.698A>C), located in coding exon 4 of the CBL gene, results from an A to C substitution at nucleotide position 698. The asparagine at codon 233 is replaced by threonine, an amino acid with similar properties. This amino acid position is conserved. In addition, the in silico prediction for this alteration is inconclusive. Based on the available evidence, the clinical significance of this variant remains unclear.